The following is an entry in ClinVar:

NM_014874.4(MFN2):c.424C>T (p.His142Tyr)

Gene: MFN2 (mitofusin 2; plus strand). Cytogenetic location: 1p36.22.
Variant type: single nucleotide variant.
Coding change: c.424C>T on transcript NM_014874.4 (MANE Select); coding-DNA position 424, C replaced by T.
Protein change: p.His142Tyr; replaces histidine 142 with tyrosine.
Molecular consequence: missense variant.
Genome position (GRCh38, 1-based): chr1:11,996,268, C>T. VCF-style: chr1-11996268-C-T. GRCh37 (hg19) VCF-style: chr1-12056325-C-T.
Other names: c.424C>T, p.His142Tyr (NM_001127660.2); short protein forms H142Y.
Identifiers: ClinVar variation 3661879 (VCV003661879.2).
Genomic context (GRCh38, chr1:11,996,268, plus strand): 5'-CTGCCCTCTGGGATTGGCCACACCACCAATTGCTTCCTGCGGGTAGAGGGCACAGATGGC[C>T]ATGAGGCCTTTCTCCTTACCGAGGGCTCAGAGGAAAAGAGGAGTGCCAAGGTGAGGGTGC-3'
Protein context (NP_055689.1, residues 132-152): CFLRVEGTDG[His142Tyr]EAFLLTEGSE

ClinVar aggregate classification (germline): Uncertain significance (1 of 4 stars; one submission).

Conditions:
Charcot-Marie-Tooth disease type 2. Also called: Charcot-Marie-Tooth type 2. Identifiers: Orphanet 64746, MedGen C0270914, MONDO:0018993.

Submission:

Labcorp Genetics (formerly Invitae), Labcorp
Classification: Uncertain significance for Charcot-Marie-Tooth disease type 2. Last evaluated: 2024-09-04. Review status: criteria provided, single submitter. Criteria: Invitae Variant Classification Sherloc (09022015). Collection method: clinical testing. Allele origin: germline.
Comment: This sequence change replaces histidine, which is basic and polar, with tyrosine, which is neutral and polar, at codon 142 of the MFN2 protein (p.His142Tyr). This variant is not present in population databases (gnomAD no frequency). This variant has not been reported in the literature in individuals affected with MFN2-related conditions. Invitae Evidence Modeling of protein sequence and biophysical properties (such as structural, functional, and spatial information, amino acid conservation, physicochemical variation, residue mobility, and thermodynamic stability) has been performed for this missense variant. However, the output from this modeling did not meet the statistical confidence thresholds required to predict the impact of this variant on MFN2 protein function. In summary, the available evidence is currently insufficient to determine the role of this variant in disease. Therefore, it has been classified as a Variant of Uncertain Significance.